The following is an entry in ClinVar:

ClinVar aggregate classification (germline): Benign/Likely benign. Review status: criteria provided, multiple submitters, no conflicts (2 of 4 stars). 5 submissions from 5 submitters: Benign (1); Likely benign (4). Last evaluated 2026-08-01.

Conditions:
Hereditary cancer-predisposing syndrome. Also called: Neoplastic Syndromes, Hereditary; Hereditary neoplastic syndrome; Tumor predisposition; Hereditary Cancer Syndrome. Identifiers: Orphanet 140162, MedGen C0027672, MeSH D009386, MONDO:0015356.
Multiple endocrine neoplasia, type 1 (MEN1). Also called: MEA I; WERMER SYNDROME; Endocrine adenomatosis multiple; MEN 1; MEN I. Identifiers: Orphanet 652, MedGen C0025267, MeSH D018761, MONDO:0007540, OMIM 131100.

Allele frequency attached by ClinVar (database versions not stated): ExAC 0.00002.
gnomAD v4.1: 5 of 1,596,964 alleles (0.00031%); highest among the groups gnomAD compares: Admixed American, 0.0083%; no homozygotes.

Submissions (5):

CeGaT Center for Human Genetics Tuebingen
Classification: Likely benign. Last evaluated: 2026-08-01. Review status: criteria provided, single submitter. Criteria: CeGaT Center For Human Genetics Tuebingen Variant Classification Criteria Version 2. Collection method: clinical testing. Allele origin: germline. Affected: yes. Observed: 1 variant allele.
Comment: MEN1: BP4, BP7

Labcorp Genetics (formerly Invitae), Labcorp
Classification: Likely benign for Multiple endocrine neoplasia, type 1. Last evaluated: 2025-10-04. Review status: criteria provided, single submitter. Criteria: Invitae Variant Classification Sherloc (09022015). Collection method: clinical testing. Allele origin: germline.

Myriad Genetics, Inc.
Classification: Benign for Multiple endocrine neoplasia, type 1. Last evaluated: 2024-11-05. Review status: criteria provided, single submitter. Criteria: Myriad Autosomal Dominant, Autosomal Recessive and X-Linked Classification Criteria (2023). Collection method: clinical testing. Allele origin: unknown.
Comment: This variant is considered benign. This variant is a silent/synonymous amino acid change and it is not expected to impact splicing.

ARUP Laboratories, Molecular Genetics and Genomics, ARUP Laboratories
Classification: Likely benign. Last evaluated: 2024-11-04. Review status: criteria provided, single submitter. Criteria: ARUP Molecular Germline Variant Investigation Process 2024. Collection method: clinical testing. Allele origin: germline.

Ambry Genetics
Classification: Likely benign for Hereditary cancer-predisposing syndrome. Last evaluated: 2021-02-04. Review status: criteria provided, single submitter. Criteria: Ambry Variant Classification Scheme 2023. Collection method: clinical testing. Allele origin: germline.

NM_001370259.2(MEN1):c.1374G>C (p.Val458=)

Gene: MEN1 (menin 1; minus strand). Cytogenetic location: 11q13.1.
Variant type: single nucleotide variant.
Coding change: c.1374G>C on transcript NM_001370259.2 (MANE Select); coding-DNA position 1374, G replaced by C.
Protein change: p.Val458=; no amino-acid change (valine 458 retained).
Molecular consequence: synonymous variant.
Genome position (GRCh38, 1-based): chr11:64,804,793, C>G on the plus strand (G>C on the coding strand, the complement: MEN1 is on the minus strand). VCF-style: chr11-64804793-C-G. GRCh37 (hg19) VCF-style: chr11-64572265-C-G.
Other names: c.1389G>C, p.Val463= (NM_000244.4, NM_130800.3, NM_130801.3 and 3 more transcripts); c.1500G>C, p.Val500= (NM_001370251.2); c.1374G>C, p.Val458= (NM_001370260.2, NM_001370261.2, NM_130799.3); c.1269G>C, p.Val423= (NM_001370262.2, NM_001370263.2).
Identifiers: ClinVar variation 1082801 (VCV001082801.14), dbSNP rs771297499, ClinGen allele CA060564.